The following is an entry in ClinVar:

ClinVar aggregate classification (germline): Pathogenic. Review status: criteria provided, multiple submitters, no conflicts (2 of 4 stars). 4 submissions from 4 submitters: Pathogenic (3). 1 of the submissions does not count toward it. Last evaluated 2025-12-23.

Conditions:
ABCD4-related disorder. Also called: ABCD4-related condition.
Methylmalonic acidemia with homocystinuria, type cblJ (MAHCJ). Also called: METHYLMALONIC ACIDURIA AND HOMOCYSTINURIA, cblJ TYPE. Identifiers: Orphanet 369955, MedGen C3553915, MONDO:0013925, OMIM 614857.

Allele frequency attached by ClinVar (database versions not stated): gnomAD 0.00001; TOPMed 0.00001.

Submissions (4):

Labcorp Genetics (formerly Invitae), Labcorp
Classification: Pathogenic for Methylmalonic acidemia with homocystinuria, type cblJ. Last evaluated: 2025-12-23. Review status: criteria provided, single submitter. Criteria: Invitae Variant Classification Sherloc (09022015). Collection method: clinical testing. Allele origin: germline.
Comment: This sequence change affects a donor splice site in intron 5 of the ABCD4 gene. It is expected to disrupt RNA splicing. Variants that disrupt the donor or acceptor splice site typically lead to a loss of protein function (PMID: 16199547), and loss-of-function variants in ABCD4 are known to be pathogenic (PMID: 22922874). This variant is present in population databases (rs769364566, gnomAD 0.0009%). Disruption of this splice site has been observed in individual(s) with cblJ deficiency (PMID: 22922874). ClinVar contains an entry for this variant (Variation ID: 280107). Algorithms developed to predict the effect of sequence changes on RNA splicing suggest that this variant may disrupt the consensus splice site. For these reasons, this variant has been classified as Pathogenic.

Blueprint Genetics
Classification: Pathogenic for ABCD4-related disorders. Last evaluated: 2023-09-26. Review status: criteria provided, single submitter. Criteria: ACMG Guidelines, 2015. Collection method: clinical testing. Allele origin: germline. Affected: yes. Observed: 4 variant alleles.

GeneDx
Classification: Pathogenic. Last evaluated: 2023-02-05. Review status: criteria provided, single submitter. Criteria: GeneDx Variant Classification Process June 2021. Collection method: clinical testing. Allele origin: germline. Affected: yes.
Comment: Not observed at significant frequency in large population cohorts (gnomAD); Canonical splice site variant expected to result in aberrant splicing with skipping of exon 5 (Coelho et al., 2012); This variant is associated with the following publications: (PMID: 27766264, 22922874, 33729671)

OMIM
Classification: Pathogenic for METHYLMALONIC ACIDURIA AND HOMOCYSTINURIA, cblJ TYPE. Last evaluated: 2012-10-01. Review status: no assertion criteria provided. Collection method: literature only. Allele origin: germline. Not counted in ClinVar's aggregate classification.

Literature cited by the submitters: PubMed 16199547 (cited by Labcorp Genetics (formerly Invitae), Labcorp); PubMed 22922874 (cited by Labcorp Genetics (formerly Invitae), Labcorp and OMIM).

NM_005050.4(ABCD4):c.542+1G>T

Gene: ABCD4 (ATP binding cassette subfamily D member 4; minus strand). Cytogenetic location: 14q24.3.
Variant type: single nucleotide variant.
Coding change: c.542+1G>T on transcript NM_005050.4 (MANE Select); the canonical splice donor site of the intron after coding-DNA position 542, G replaced by T.
Molecular consequence: splice donor variant.
Genome position (GRCh38, 1-based): chr14:74,296,332, C>A on the plus strand (G>T on the coding strand, the complement: ABCD4 is on the minus strand). VCF-style: chr14-74296332-C-A. GRCh37 (hg19) VCF-style: chr14-74763035-C-A.
Other names: IVS5DS, G-T, +1; c.-153+1G>T (NM_001353607.2, NM_001353604.2, NM_001353603.2 and 4 more transcripts); c.65+1G>T (NM_001353598.2, NM_001353601.2, NM_001353600.2 and 2 more transcripts); c.281+1G>T (NM_001353594.2, NM_001353593.2); c.133+1G>T (NM_001353597.2, NM_001353596.2, NM_001353595.2); c.-148+1G>T (NM_001353608.2, NM_001353602.2); c.542+1G>T (NM_001353591.2, NM_001353592.2, NM_020325.3).
Identifiers: ClinVar variation 280107 (VCV000280107.12), dbSNP rs769364566, ClinGen allele CA7267187.